The following is an entry in ClinVar:

NC_000001.10:g.(?_216262335)_(216270575_?)del

Gene: USH2A (usherin; minus strand). Cytogenetic location: 1q41.
Variant type: Deletion.
Identifiers: ClinVar variation 3248053 (VCV003248053.1).

ClinVar aggregate classification (germline): Pathogenic (1 of 4 stars; one submission).

Submission:

Labcorp Genetics (formerly Invitae), Labcorp
Classification: Pathogenic. Last evaluated: 2023-11-21. Review status: criteria provided, single submitter. Criteria: Invitae Variant Classification Sherloc (09022015). Collection method: clinical testing. Allele origin: unknown.
Comment: This variant is a gross deletion of the genomic region encompassing exon(s) 22-23 of the USH2A gene. This variant would be expected to be in-frame, preserving the integrity of the reading frame. A similar copy number variant has been observed in individual(s) with Usher syndrome (PMID: 17405132, 23924366). In at least one individual the data is consistent with being in trans (on the opposite chromosome) from a pathogenic variant. This variant disrupts the p.Arg1578 amino acid residue in USH2A. Other variant(s) that disrupt this residue have been determined to be pathogenic (PMID: 22135276, 24618324, 29142287, 29625443). This suggests that this residue is clinically significant, and that variants that disrupt this residue are likely to be disease-causing. For these reasons, this variant has been classified as Pathogenic.

Literature cited by the submitters: PubMed 17405132; PubMed 23924366; PubMed 22135276; PubMed 24618324; PubMed 29142287; PubMed 29625443.